The following is an entry in ClinVar:

NM_001040151.2(SCN3B):c.226G>T (p.Glu76Ter)

Gene: SCN3B (sodium voltage-gated channel beta subunit 3; minus strand). Cytogenetic location: 11q24.1.
Variant type: single nucleotide variant.
Coding change: c.226G>T on transcript NM_001040151.2 (MANE Select); coding-DNA position 226, G replaced by T.
Protein change: p.Glu76Ter; replaces glutamic acid 76 with a stop codon.
Molecular consequence: nonsense.
Genome position (GRCh38, 1-based): chr11:123,642,665, C>A on the plus strand (G>T on the coding strand, the complement: SCN3B is on the minus strand). VCF-style: chr11-123642665-C-A. GRCh37 (hg19) VCF-style: chr11-123513373-C-A.
Other names: c.226G>T, p.Glu76Ter (NM_018400.4); short protein forms E76*.
Identifiers: ClinVar variation 4699439 (VCV004699439.1).

ClinVar aggregate classification (germline): Uncertain significance (1 of 4 stars; one submission).

Conditions:
Brugada syndrome 7 (BRGDA7). Identifiers: Orphanet 130, MedGen C2751088, MONDO:0013146, OMIM 613120.

Submission:

Labcorp Genetics (formerly Invitae), Labcorp
Classification: Uncertain significance for Brugada syndrome 7. Last evaluated: 2025-08-16. Review status: criteria provided, single submitter. Criteria: Invitae Variant Classification Sherloc (09022015). Collection method: clinical testing. Allele origin: germline.
Comment: This sequence change creates a premature translational stop signal (p.Glu76*) in the SCN3B gene. It is expected to result in an absent or disrupted protein product. However, the current clinical and genetic evidence is not sufficient to establish whether loss-of-function variants in SCN3B cause disease. This variant is not present in population databases (gnomAD no frequency). This variant has not been reported in the literature in individuals affected with SCN3B-related conditions. In summary, the available evidence is currently insufficient to determine the role of this variant in disease. Therefore, it has been classified as a Variant of Uncertain Significance.